The following is an entry in ClinVar:

ClinVar aggregate classification (germline): Uncertain significance (1 of 4 stars; one submission).

Submission:

Labcorp Genetics (formerly Invitae), Labcorp
Classification: Uncertain significance. Last evaluated: 2023-10-29. Review status: criteria provided, single submitter. Criteria: Invitae Variant Classification Sherloc (09022015). Collection method: clinical testing. Allele origin: germline.
Comment: This sequence change replaces aspartic acid, which is acidic and polar, with tyrosine, which is neutral and polar, at codon 851 of the ANK1 protein (p.Asp851Tyr). This variant is not present in population databases (gnomAD no frequency). This variant has not been reported in the literature in individuals affected with ANK1-related conditions. Advanced modeling of protein sequence and biophysical properties (such as structural, functional, and spatial information, amino acid conservation, physicochemical variation, residue mobility, and thermodynamic stability) performed at Invitae indicates that this missense variant is not expected to disrupt ANK1 protein function with a negative predictive value of 80%. In summary, the available evidence is currently insufficient to determine the role of this variant in disease. Therefore, it has been classified as a Variant of Uncertain Significance.

NM_000037.4(ANK1):c.2551G>T (p.Asp851Tyr)

Gene: ANK1 (ankyrin 1; minus strand). Cytogenetic location: 8p11.21.
Variant type: single nucleotide variant.
Coding change: c.2551G>T on transcript NM_000037.4 (MANE Select); coding-DNA position 2551, G replaced by T.
Protein change: p.Asp851Tyr; replaces aspartic acid 851 with tyrosine.
Molecular consequence: missense variant.
Genome position (GRCh38, 1-based): chr8:41,699,459, C>A on the plus strand (G>T on the coding strand, the complement: ANK1 is on the minus strand). VCF-style: chr8-41699459-C-A. GRCh37 (hg19) VCF-style: chr8-41556977-C-A.
Other names: c.2674G>T, p.Asp892Tyr (NM_001142446.2); c.2551G>T, p.Asp851Tyr (NM_020475.3, NM_020476.3, NM_020477.3); short protein forms D851Y, D892Y.
Identifiers: ClinVar variation 2772839 (VCV002772839.3), dbSNP rs2486803120, ClinGen allele CA371063936.